The following is an entry in ClinVar:

ClinVar aggregate classification (germline): Uncertain significance (1 of 4 stars; one submission).

Conditions:
Familial cold autoinflammatory syndrome 3 (FCAS3). Also called: FAMILIAL ATYPICAL COLD URTICARIA; ANTIBODY DEFICIENCY AND IMMUNE DYSREGULATION, PLCG2-ASSOCIATED. Identifiers: Orphanet 300359, MedGen C3280914, MONDO:0013766, OMIM 614468.

Allele frequency attached by ClinVar (database versions not stated): gnomAD exomes below 0.00001; gnomAD 0.00001; TOPMed 0.00001; ExAC 0.00002.
gnomAD v4.1: 3 of 1,613,978 alleles (0.00019%); highest among the groups gnomAD compares: Admixed American, 0.005%; no homozygotes.

Submission:

Labcorp Genetics (formerly Invitae), Labcorp
Classification: Uncertain significance for Familial cold autoinflammatory syndrome 3. Last evaluated: 2023-07-07. Review status: criteria provided, single submitter. Criteria: Invitae Variant Classification Sherloc (09022015). Collection method: clinical testing. Allele origin: germline.
Comment: This sequence change replaces lysine, which is basic and polar, with arginine, which is basic and polar, at codon 870 of the PLCG2 protein (p.Lys870Arg). In summary, the available evidence is currently insufficient to determine the role of this variant in disease. Therefore, it has been classified as a Variant of Uncertain Significance. This variant is present in population databases (rs764507005, gnomAD 0.006%). This variant has not been reported in the literature in individuals affected with PLCG2-related conditions. An algorithm developed to predict the effect of missense changes on protein structure and function (PolyPhen-2) suggests that this variant is likely to be tolerated.

NM_002661.5(PLCG2):c.2609A>G (p.Lys870Arg)

Gene: PLCG2 (phospholipase C gamma 2; plus strand). Cytogenetic location: 16q23.3.
Variant type: single nucleotide variant.
Coding change: c.2609A>G on transcript NM_002661.5 (MANE Select); coding-DNA position 2609, A replaced by G.
Protein change: p.Lys870Arg; replaces lysine 870 with arginine.
Molecular consequence: missense variant.
Genome position (GRCh38, 1-based): chr16:81,931,524, A>G. VCF-style: chr16-81931524-A-G. GRCh37 (hg19) VCF-style: chr16-81965129-A-G.
Other names: c.2609A>G, p.Lys870Arg (NM_001425749.1, NM_001425750.1, NM_001425751.1); short protein forms K870R.
Identifiers: ClinVar variation 2986183 (VCV002986183.3), dbSNP rs764507005, ClinGen allele CA8194379.